The following is an entry in ClinVar:

NM_003052.5(SLC34A1):c.1104C>G (p.Leu368=)

Gene: SLC34A1 (solute carrier family 34 member 1; plus strand). Cytogenetic location: 5q35.3.
Variant type: single nucleotide variant.
Coding change: c.1104C>G on transcript NM_003052.5 (MANE Select); coding-DNA position 1104, C replaced by G.
Protein change: p.Leu368=; no amino-acid change (leucine 368 retained).
Molecular consequence: synonymous variant.
Genome position (GRCh38, 1-based): chr5:177,394,125, C>G. VCF-style: chr5-177394125-C-G. GRCh37 (hg19) VCF-style: chr5-176821126-C-G.
Identifiers: ClinVar variation 4982392 (VCV004982392.1).

ClinVar aggregate classification (germline): Likely benign (1 of 4 stars; one submission).

Conditions:
SLC34A1-related disorder. Also called: SLC34A1-related disorders; SLC34A1-related condition.

gnomAD v4.1: 5 of 1,614,012 alleles (0.00031%); highest among the groups gnomAD compares: Non-Finnish European, 0.00042%; no homozygotes.

Submission:

PreventionGenetics, part of Exact Sciences
Classification: Likely benign for SLC34A1-related condition. Last evaluated: 2026-06-17. Review status: criteria provided, single submitter. Criteria: ACMG Guidelines, 2015. Collection method: clinical testing. Allele origin: germline.
Comment: This variant is classified as likely benign based on ACMG/AMP sequence variant interpretation guidelines (Richards et al. 2015 PMID: 25741868, with internal and published modifications).